The following is an entry in ClinVar:

ClinVar aggregate classification (germline): Uncertain significance (1 of 4 stars; one submission).

gnomAD v4.1: 1 of 1,607,722 alleles (0.000062%); highest among the groups gnomAD compares: Non-Finnish European, 0.000085%; no homozygotes.

Submission:

Labcorp Genetics (formerly Invitae), Labcorp
Classification: Uncertain significance. Last evaluated: 2022-11-06. Review status: criteria provided, single submitter. Criteria: Invitae Variant Classification Sherloc (09022015). Collection method: clinical testing. Allele origin: germline.
Comment: In summary, the available evidence is currently insufficient to determine the role of this variant in disease. Therefore, it has been classified as a Variant of Uncertain Significance. Algorithms developed to predict the effect of missense changes on protein structure and function are either unavailable or do not agree on the potential impact of this missense change (SIFT: "Deleterious"; PolyPhen-2: "Possibly Damaging"; Align-GVGD: "Class C0"). This variant has not been reported in the literature in individuals affected with MSH3-related conditions. This variant is present in population databases (no rsID available, gnomAD 0.0009%). This sequence change replaces threonine, which is neutral and polar, with lysine, which is basic and polar, at codon 540 of the MSH3 protein (p.Thr540Lys).

NM_002439.5(MSH3):c.1619C>A (p.Thr540Lys)

Gene: MSH3 (mutS homolog 3; plus strand). Cytogenetic location: 5q14.1.
Variant type: single nucleotide variant.
Coding change: c.1619C>A on transcript NM_002439.5 (MANE Select); coding-DNA position 1619, C replaced by A.
Protein change: p.Thr540Lys; replaces threonine 540 with lysine.
Molecular consequence: missense variant.
Genome position (GRCh38, 1-based): chr5:80,741,514, C>A. VCF-style: chr5-80741514-C-A. GRCh37 (hg19) VCF-style: chr5-80037333-C-A.
Other names: short protein forms T540K.
Identifiers: ClinVar variation 2812488 (VCV002812488.3), dbSNP rs755593955, ClinGen allele CA360274529.